The following is an entry in ClinVar:

ClinVar aggregate classification (germline): Uncertain significance. Review status: criteria provided, multiple submitters, no conflicts (2 of 4 stars). 3 submissions from 3 submitters: Uncertain significance (3). Last evaluated 2025-10-15.

Conditions:
DST-related disorder. Also called: DST-related disorders; DST-related condition.
Inborn genetic diseases. Identifiers: MedGen C0950123, MeSH D030342.
Epidermolysis bullosa simplex 3, localized or generalized intermediate, with BP230 deficiency (EBS3). Also called: Epidermolysis bullosa simplex, autosomal recessive 2; Epidermolysis bullosa simplex due to BP230 deficiency. Identifiers: Orphanet 412181, MedGen C3809470, MONDO:0014180, OMIM 615425.
Hereditary sensory and autonomic neuropathy type 6. Also called: Neuropathy, hereditary sensory and autonomic, type VI; HSAN VI. Identifiers: Orphanet 314381, MedGen C3539003, MONDO:0013839, OMIM 614653.

Allele frequency attached by ClinVar (database versions not stated): ExAC 0.00001; gnomAD exomes 0.00001; gnomAD 0.00003; TOPMed 0.00003.
gnomAD v4.1: 25 of 1,607,574 alleles (0.0016%); highest among the groups gnomAD compares: East Asian, 0.029%; no homozygotes.

Submissions (3):

PreventionGenetics, part of Exact Sciences
Classification: Uncertain significance for DST-related condition. Last evaluated: 2025-10-15. Review status: criteria provided, single submitter. Criteria: ACMG Guidelines, 2015. Collection method: clinical testing. Allele origin: germline.
Comment: The DST c.8737G>A variant is predicted to result in the amino acid substitution p.Glu2913Lys. To our knowledge, this variant has not been reported in the literature in patients with DST-related disorders. This variant is reported in 0.046% of alleles in individuals of East Asian descent in gnomAD. At this time, the clinical significance of this variant is uncertain due to the absence of conclusive functional and genetic evidence.

Labcorp Genetics (formerly Invitae), Labcorp
Classification: Uncertain significance for Epidermolysis bullosa simplex 3, localized or generalized intermediate, with BP230 deficiency; Hereditary sensory and autonomic neuropathy type 6. Last evaluated: 2024-02-24. Review status: criteria provided, single submitter. Criteria: Invitae Variant Classification Sherloc (09022015). Collection method: clinical testing. Allele origin: germline.
Comment: The DST gene has multiple clinically relevant transcripts. This variant occurs in alternate transcript NM_015548.4, and corresponds to NM_001723.5:c.*60130G>A in the primary transcript. This sequence change replaces glutamic acid, which is acidic and polar, with lysine, which is basic and polar, at codon 2409 of the DST protein (p.Glu2409Lys). This variant is present in population databases (rs750812929, gnomAD 0.05%). This variant has not been reported in the literature in individuals affected with DST-related conditions. Experimental studies and prediction algorithms are not available or were not evaluated, and the functional significance of this variant is currently unknown. In summary, the available evidence is currently insufficient to determine the role of this variant in disease. Therefore, it has been classified as a Variant of Uncertain Significance.

Ambry Genetics
Classification: Uncertain significance for Inborn genetic diseases. Last evaluated: 2021-01-07. Review status: criteria provided, single submitter. Criteria: Ambry Variant Classification Scheme 2023. Collection method: clinical testing. Allele origin: germline.
Comment: The p.E2913K variant (also known as c.8737G>A), located in coding exon 54 of the DST gene, results from a G to A substitution at nucleotide position 8737. The glutamic acid at codon 2913 is replaced by lysine, an amino acid with similar properties. This amino acid position is not well conserved in available vertebrate species. In addition, this alteration is predicted to be tolerated by in silico analysis. Since supporting evidence is limited at this time, the clinical significance of this alteration remains unclear.

NM_001374736.1(DST):c.15094G>A (p.Glu5032Lys)

Gene: DST (dystonin; minus strand). Cytogenetic location: 6p12.1.
Variant type: single nucleotide variant.
Coding change: c.15094G>A on transcript NM_001374736.1 (MANE Select); coding-DNA position 15094, G replaced by A.
Protein change: p.Glu5032Lys; replaces glutamic acid 5032 with lysine.
Molecular consequence: missense variant.
Genome position (GRCh38, 1-based): chr6:56,555,387, C>T on the plus strand (G>A on the coding strand, the complement: DST is on the minus strand). VCF-style: chr6-56555387-C-T. GRCh37 (hg19) VCF-style: chr6-56420185-C-T.
Other names: c.8737G>A, p.Glu2913Lys (NM_001144769.5); c.8323G>A, p.Glu2775Lys (NM_001144770.2); c.15094G>A, p.Glu5032Lys (NM_001374722.1); c.14461G>A, p.Glu4821Lys (NM_001374729.1); c.8203G>A, p.Glu2735Lys (NM_001374730.1, NM_001386100.1, NM_183380.4); c.15121G>A, p.Glu5041Lys (NM_001374734.1); c.7225G>A, p.Glu2409Lys (NM_015548.5); short protein forms E2409K, E2913K, E4821K, E2775K, E2735K, E5032K, E5041K.
Identifiers: ClinVar variation 1764482 (VCV001764482.6), dbSNP rs750812929, ClinGen allele CA3867884.